The following is an entry in ClinVar:

ClinVar aggregate classification (germline): Conflicting classifications of pathogenicity. Review status: criteria provided, conflicting classifications (1 of 4 stars). 3 submissions from 3 submitters: Uncertain significance (1); Benign (1); Likely benign (1). Last evaluated 2025-12-09.

Conditions:
Early-infantile DEE. Also called: Early infantile epileptic encephalopathy; Ohtahara syndrome; Early infantile epileptic encephalopathy with suppression bursts. Identifiers: Orphanet 1934, MedGen C0393706, MONDO:0800491.
Inborn genetic diseases. Identifiers: MedGen C0950123, MeSH D030342.

Allele frequency attached by ClinVar (database versions not stated): gnomAD 0.00001; gnomAD exomes 0.00001 and 0.00005; TOPMed 0.00003; ExAC 0.00005.
gnomAD v4.1: 15 of 1,614,142 alleles (0.00093%); highest among the groups gnomAD compares: Admixed American, 0.02%; no homozygotes.

Submissions (3):

Labcorp Genetics (formerly Invitae), Labcorp
Classification: Uncertain significance for Early-infantile DEE. Last evaluated: 2025-12-09. Review status: criteria provided, single submitter. Criteria: Invitae Variant Classification Sherloc (09022015). Collection method: clinical testing. Allele origin: germline.
Comment: This sequence change falls in intron 10 of the SCN1A gene. It does not directly change the encoded amino acid sequence of the SCN1A protein. It affects a nucleotide within the consensus splice site. This variant is present in population databases (rs766418091, gnomAD 0.03%). This variant has been observed in individuals with autosomal dominant SCN1A-related conditions (internal data). ClinVar contains an entry for this variant (Variation ID: 378512). Variants that disrupt the consensus splice site are a relatively common cause of aberrant splicing (PMID: 17576681, 9536098). Algorithms developed to predict the effect of sequence changes on RNA splicing suggest that this variant is not likely to affect RNA splicing. In summary, the available evidence is currently insufficient to determine the role of this variant in disease. Therefore, it has been classified as a Variant of Uncertain Significance.

Ambry Genetics
Classification: Likely benign for Inborn genetic diseases. Last evaluated: 2019-01-15. Review status: criteria provided, single submitter. Criteria: Ambry Variant Classification Scheme 2023. Collection method: clinical testing. Allele origin: germline.

GeneDx
Classification: Benign. Last evaluated: 2015-09-25. Review status: criteria provided, single submitter. Criteria: GeneDx Variant Classification (06012015). Collection method: clinical testing. Allele origin: germline. Affected: yes.
Comment: This variant is considered likely benign or benign based on one or more of the following criteria: it is a conservative change, it occurs at a poorly conserved position in the protein, it is predicted to be benign by multiple in silico algorithms, and/or has population frequency not consistent with disease.

Literature cited by the submitters: PubMed 17576681 (cited by Labcorp Genetics (formerly Invitae), Labcorp); PubMed 9536098 (cited by Labcorp Genetics (formerly Invitae), Labcorp).

NM_001165963.4(SCN1A):c.1663-3T>C

Gene: SCN1A (sodium voltage-gated channel alpha subunit 1; minus strand). Cytogenetic location: 2q24.3.
Variant type: single nucleotide variant.
Coding change: c.1663-3T>C on transcript NM_001165963.4 (MANE Select); 3 bases into the intron before coding-DNA position 1663, T replaced by C.
Molecular consequence: intron variant.
Genome position (GRCh38, 1-based): chr2:166,044,052, A>G on the plus strand (T>C on the coding strand, the complement: SCN1A is on the minus strand). VCF-style: chr2-166044052-A-G. GRCh37 (hg19) VCF-style: chr2-166900562-A-G.
Other names: c.1663-3T>C (NM_001353949.2, NM_001353958.2, NM_001353950.2 and 7 more transcripts); c.1660-3T>C (NM_001353955.2, NM_001353960.2, NM_001353954.2); c.-763-3T>C (NM_001353961.2).
Identifiers: ClinVar variation 378512 (VCV000378512.10), dbSNP rs766418091, ClinGen allele CA1943266.
Genomic context (GRCh38, chr2:166,044,052, plus strand): 5'-GGCTTGTTCTGCTATTTCGCCTTGGTGAAAATAGGGAGCCACGGATGCTCAACAAAGACT[A>G]GAAGTTTGAAAGAGCAAACAAATAAAGTCATATTAATATGGACATTTGAATGTGATTTCA-3'